The following is an entry in ClinVar:

ClinVar aggregate classification (germline): Likely pathogenic (1 of 4 stars; one submission).

gnomAD v4.1: 3 of 1,614,196 alleles (0.00019%); highest among the groups gnomAD compares: East Asian, 0.0045%; no homozygotes.

Submission:

Labcorp Genetics (formerly Invitae), Labcorp
Classification: Likely pathogenic. Last evaluated: 2025-05-07. Review status: criteria provided, single submitter. Criteria: Invitae Variant Classification Sherloc (09022015). Collection method: clinical testing. Allele origin: germline.
Comment: This sequence change replaces valine, which is neutral and non-polar, with phenylalanine, which is neutral and non-polar, at codon 989 of the ABCA4 protein (p.Val989Phe). This variant is not present in population databases (gnomAD no frequency). This missense change has been observed in individual(s) with retinitis pigmentosa (Internal data). Invitae Evidence Modeling of protein sequence and biophysical properties (such as structural, functional, and spatial information, amino acid conservation, physicochemical variation, residue mobility, and thermodynamic stability) indicates that this missense variant is expected to disrupt ABCA4 protein function with a positive predictive value of 95%. This variant disrupts the p.Val989 amino acid residue in ABCA4. Other variant(s) that disrupt this residue have been determined to be pathogenic (PMID: 22247458, 23755871, 25066811, 28327576). This suggests that this residue is clinically significant, and that variants that disrupt this residue are likely to be disease-causing. In summary, the currently available evidence indicates that the variant is pathogenic, but additional data are needed to prove that conclusively. Therefore, this variant has been classified as Likely Pathogenic.

Literature cited by the submitters: PubMed 22247458; PubMed 23755871; PubMed 25066811; PubMed 28327576.

NM_000350.3(ABCA4):c.2965G>T (p.Val989Phe)

Gene: ABCA4 (ATP binding cassette subfamily A member 4; minus strand). Cytogenetic location: 1p22.1.
Variant type: single nucleotide variant.
Coding change: c.2965G>T on transcript NM_000350.3 (MANE Select); coding-DNA position 2965, G replaced by T.
Protein change: p.Val989Phe; replaces valine 989 with phenylalanine.
Molecular consequence: missense variant.
Genome position (GRCh38, 1-based): chr1:94,044,698, C>A on the plus strand (G>T on the coding strand, the complement: ABCA4 is on the minus strand). VCF-style: chr1-94044698-C-A. GRCh37 (hg19) VCF-style: chr1-94510254-C-A.
Other names: c.2743G>T, p.Val915Phe (NM_001425324.1); short protein forms V915F, V989F.
Identifiers: ClinVar variation 4807394 (VCV004807394.1).